The following is an entry in ClinVar:

NM_000352.6(ABCC8):c.691T>C (p.Trp231Arg)

Gene: ABCC8 (ATP binding cassette subfamily C member 8; minus strand). Cytogenetic location: 11p15.1.
Variant type: single nucleotide variant.
Coding change: c.691T>C on transcript NM_000352.6 (MANE Select); coding-DNA position 691, T replaced by C.
Protein change: p.Trp231Arg; replaces tryptophan 231 with arginine.
Molecular consequence: missense variant. On other transcripts: non-coding transcript variant (1).
Genome position (GRCh38, 1-based): chr11:17,461,714, A>G on the plus strand (T>C on the coding strand, the complement: ABCC8 is on the minus strand). VCF-style: chr11-17461714-A-G. GRCh37 (hg19) VCF-style: chr11-17483261-A-G.
Other names: c.691T>C, p.Trp231Arg (NM_001287174.3, NM_001351295.2, NM_001351296.2 and 1 more transcripts); short protein forms W231R.
Identifiers: ClinVar variation 551459 (VCV000551459.5), dbSNP rs1554942704, ClinGen allele CA379778693.

ClinVar aggregate classification (germline): Uncertain significance. Review status: criteria provided, multiple submitters, no conflicts (2 of 4 stars). 4 submissions from 3 submitters: Uncertain significance (3). 1 of the submissions does not count toward it. Last evaluated 2024-03-22.

Conditions:
Transitory neonatal diabetes mellitus. Also called: Transient neonatal diabetes mellitus. Identifiers: MedGen C0342273, MONDO:0020525, HP:0008255.
Maturity-onset diabetes of the young (MODY). Also called: Maturity onset diabetes mellitus in young. Identifiers: Orphanet 552, MedGen C0342276, MONDO:0018911, HP:0004904.
Hyperinsulinemic hypoglycemia, familial, 1 (HHF1). Also called: Persistent hyperinsulinemic hypoglycemia of infancy; HYPERINSULINISM, FAMILIAL, WITH PANCREATIC NESIDIOBLASTOSIS; HYPOGLYCEMIA, HYPERINSULINEMIC, OF INFANCY; NESIDIOBLASTOSIS OF PANCREAS; Persistent Hyperinsulinemia Hypoglycemia of Infancy. Identifiers: Orphanet 276575, Orphanet 276598, MedGen C2931832, MONDO:0009734, OMIM 256450.

Allele frequency attached by ClinVar (database versions not stated): gnomAD exomes below 0.00001.
gnomAD v4.1: 1 of 1,614,188 alleles (0.000062%); highest among the groups gnomAD compares: Non-Finnish European, 0.000085%; no homozygotes.

Submissions (4):

Women's Health and Genetics/Laboratory Corporation of America, LabCorp
Classification: Uncertain significance. Last evaluated: 2024-03-22. Review status: criteria provided, single submitter. Criteria: LabCorp Variant Classification Summary - May 2015. Collection method: clinical testing. Allele origin: germline.
Comment: Variant summary: ABCC8 c.691T>C (p.Trp231Arg) results in a non-conservative amino acid change in the encoded protein sequence. Five of five in-silico tools predict a damaging effect of the variant on protein function. The variant was absent in 251494 control chromosomes. The available data on variant occurrences in the general population are insufficient to allow any conclusion about variant significance. c.691T>C has been reported in the literature in at-least one compound heterozygous individual affected with Congenital hyperinsulinism of infancy (example: Sandal_2009). This report does not provide unequivocal conclusions about association of the variant with Familial Hyperinsulinism. To our knowledge, no experimental evidence demonstrating an impact on protein function has been reported. The following publication has been ascertained in the context of this evaluation (PMID: 19475716). ClinVar contains an entry for this variant (Variation ID: 551459). Based on the evidence outlined above, the variant was classified as uncertain significance.

Clinical Genomics, Uppaluri K&H Personalized Medicine Clinic
Classification: Uncertain significance for Maturity-onset diabetes of the young. Review status: criteria provided, single submitter. Criteria: K & H Uppaluri Personalized Medicine Clinic Variant Classification & Assertion Criteria_Updated V.1. Collection method: research. Allele origin: unknown. Inheritance: Somatic mutation.
Comment: Mutations in ABCC8 gene are associated with both neonatal diabetes mellitus as well as MODY. Patients with this mutation may have a better response to sulfonylureas. However, no sufficient evidence is found to ascertain the role of this particular variant (rs1554942704) in MODY yet.

Clinical Genomics, Uppaluri K&H Personalized Medicine Clinic
Classification: Uncertain significance for Transitory neonatal diabetes mellitus. Review status: criteria provided, single submitter. Criteria: K & H Uppaluri Personalized Medicine Clinic Variant Classification & Assertion Criteria_Updated V.1. Collection method: research. Allele origin: unknown. Inheritance: Somatic mutation.
Comment: Mutations in ABCC8 gene are associated with both neonatal diabetes mellitus as well as MODY. Patients with this mutation may have a better response to sulfonylureas. However, no sufficient evidence is found to ascertain the role of this particular variant (rs1554942704) in neonatal diabetes yet.

Counsyl
Classification: Uncertain significance for Hyperinsulinemic hypoglycemia, familial, 1. Last evaluated: 2017-04-11. Review status: no assertion criteria provided. Collection method: clinical testing. Allele origin: unknown. Not counted in ClinVar's aggregate classification.

Literature cited by the submitters: PubMed 19475716 (cited by Women's Health and Genetics/Laboratory Corporation of America, LabCorp and Counsyl); PubMed 16885549 (cited by Clinical Genomics, Uppaluri K&H Personalized Medicine Clinic); PubMed 21989597 (cited by Clinical Genomics, Uppaluri K&H Personalized Medicine Clinic); PubMed 27538677 (cited by Clinical Genomics, Uppaluri K&H Personalized Medicine Clinic); PubMed 18981553 (cited by Clinical Genomics, Uppaluri K&H Personalized Medicine Clinic); PubMed 32027066 (cited by Clinical Genomics, Uppaluri K&H Personalized Medicine Clinic); PubMed 16613899 (cited by Clinical Genomics, Uppaluri K&H Personalized Medicine Clinic); PubMed 18025408 (cited by Clinical Genomics, Uppaluri K&H Personalized Medicine Clinic); PubMed 32792356 (cited by Clinical Genomics, Uppaluri K&H Personalized Medicine Clinic).